The following is an entry in ClinVar:

ClinVar aggregate classification (germline): Uncertain significance (1 of 4 stars; one submission).

Conditions:
H19-related disorder. Also called: H19-related condition.

Submission:

PreventionGenetics, part of Exact Sciences
Classification: Uncertain significance for H19-related condition. Last evaluated: 2026-09-04. Review status: criteria provided, single submitter. Criteria: ACMG Guidelines, 2015. Collection method: clinical testing. Allele origin: germline.
Comment: The H19 n.-2043G>A variant is predicted to interfere with splicing. This variant resides in the 5' promoter/imprinting control region 1 (ICR1) of H19. To our knowledge, this variant has not been reported in the literature or in a large population database, indicating it is rare. H19 promoter/ICR1 variants have been associated with Silver-Russel syndrome and Beckwith-Wiedemann syndrome (see for example, Demars et al. 2010. PubMed ID: 20007505); however, no examples occur in the immediate vicinity of this variant. At this time, the clinical significance of this variant is uncertain due to the absence of conclusive functional and genetic evidence.

NC_000011.10:g.1999918C>T

Genes: H19 (H19 imprinted maternally expressed transcript; minus strand), H19-ICR (H19/IGF2 imprinting control region; plus strand), MRPL23 (mitochondrial ribosomal protein L23; plus strand). Cytogenetic location: 11p15.5.
Variant type: single nucleotide variant.
Molecular consequence: intron variant (on NM_001400176.1).
Genome position: GRCh38 VCF-style: chr11-1999918-C-T. GRCh37 (hg19) VCF-style: chr11-2021148-C-T.
Other names: c.498-11623C>T (NM_001400176.1).
Identifiers: ClinVar variation 4984197 (VCV004984197.1).